The following is an entry in ClinVar:

ClinVar aggregate classification (germline): Conflicting classifications of pathogenicity. Review status: criteria provided, conflicting classifications (1 of 4 stars). 2 submissions from 2 submitters: Likely pathogenic (1); Uncertain significance (1). Last evaluated 2025-08-20.

Conditions:
Congenital dyserythropoietic anemia, type II (CDAN2). Also called: DYSERYTHROPOIETIC ANEMIA, HEMPAS TYPE. Identifiers: Orphanet 98873, MedGen C1306589, MONDO:0009134, OMIM 224100.
Cowden syndrome 7 (CWS7). Identifiers: Orphanet 201, MedGen C4225179, MONDO:0014802, OMIM 616858.

Submissions (2):

Victorian Clinical Genetics Services, Murdoch Childrens Research Institute
Classification: Likely pathogenic for Congenital dyserythropoietic anemia, type II. Last evaluated: 2025-08-20. Review status: criteria provided, single submitter. Criteria: ACMG Guidelines, 2015. Collection method: clinical testing. Allele origin: germline. Affected: yes.
Comment: This variant is classified as Likely pathogenic. Evidence in support of pathogenic classification: Variant is absent from gnomAD (v2, v3 and v4); Another missense variant comparable to the one identified in this case has limited previous evidence for pathogenicity. The p.(Asp348Ala) variant has been reported in the literature in a child with CDA II, and shown to be compound heterozygous with the p.(Arg14Trp) variant (PMID: 19621418); Missense variant predicted to be damaging by in silico tool(s) or highly conserved with a major amino acid change. Additional information: Variant is predicted to result in a missense amino acid change from Asp to Gly; This variant is heterozygous; This gene is associated with autosomal recessive disease; Previous evidence of pathogenicity for this variant is inconclusive. This variant has been classified as a VUS by a clinical laboratory in ClinVar. It has also been reported in the literature in one individual with CDA II, and shown to be compound heterozygous with the c.1898delC variant (DOI 10.1182/blood-2024-209451); No published evidence of segregation with disease has been identified for this variant; Variant is located in the annotated Sec23/Sec24 trunk domain (DECIPHER); Loss of function is a known mechanism of disease in this gene and is associated with congenital dyserythropoietic anaemia type II (CDA; MIM#224100); Heterozygous variant detected in trans with a second LIKELY PATHOGENIC heterozygous variant (NM_006363.6(SEC23B):c.1906-2A>T) in a recessive disease.

Labcorp Genetics (formerly Invitae), Labcorp
Classification: Uncertain significance for Congenital dyserythropoietic anemia, type II; Cowden syndrome 7. Last evaluated: 2019-04-10. Review status: criteria provided, single submitter. Criteria: Invitae Variant Classification Sherloc (09022015). Collection method: clinical testing. Allele origin: germline.
Comment: This variant is not present in population databases (ExAC no frequency). This sequence change replaces aspartic acid with glycine at codon 348 of the SEC23B protein (p.Asp348Gly). The aspartic acid residue is highly conserved and there is a moderate physicochemical difference between aspartic acid and glycine. This variant has not been reported in the literature in individuals with SEC23B-related conditions. In summary, the available evidence is currently insufficient to determine the role of this variant in disease. Therefore, it has been classified as a Variant of Uncertain Significance. This variant disrupts the p.Asp348 amino acid residue in SEC23B. Other variant(s) that disrupt this residue have been observed in individuals with SEC23B-related conditions (PMID: 19621418), which suggests that this may be a clinically significant amino acid residue. Algorithms developed to predict the effect of sequence changes on RNA splicing suggest that this variant may create or strengthen a splice site, but this prediction has not been confirmed by published transcriptional studies. Algorithms developed to predict the effect of missense changes on protein structure and function (SIFT, PolyPhen-2, Align-GVGD) all suggest that this variant is likely to be disruptive, but these predictions have not been confirmed by published functional studies and their clinical significance is uncertain.

Literature cited by the submitters: PubMed 19621418 (cited by Victorian Clinical Genetics Services, Murdoch Childrens Research Institute and Labcorp Genetics (formerly Invitae), Labcorp).

NM_006363.6(SEC23B):c.1043A>G (p.Asp348Gly)

Gene: SEC23B (SEC23 homolog B, COPII component; plus strand). Cytogenetic location: 20p11.23.
Variant type: single nucleotide variant.
Coding change: c.1043A>G on transcript NM_006363.6 (MANE Select); coding-DNA position 1043, A replaced by G.
Protein change: p.Asp348Gly; replaces aspartic acid 348 with glycine.
Molecular consequence: missense variant.
Genome position (GRCh38, 1-based): chr20:18,527,545, A>G. VCF-style: chr20-18527545-A-G. GRCh37 (hg19) VCF-style: chr20-18508189-A-G.
Other names: c.1043A>G, p.Asp348Gly (NM_001172745.3, NM_032985.6, NM_032986.5); c.989A>G, p.Asp330Gly (NM_001172746.3); short protein forms D330G, D348G.
Identifiers: ClinVar variation 847391 (VCV000847391.10), dbSNP rs2060144762, ClinGen allele CA408360479.